The following is an entry in ClinVar:

NM_007074.4(CORO1A):c.460_462del (p.Asn154del)

Gene: CORO1A (coronin 1A; plus strand). Cytogenetic location: 16p11.2.
Variant type: Deletion.
Coding change: c.460_462del on transcript NM_007074.4 (MANE Select); coding-DNA positions 460 to 462, 3 bases deleted (AAC; older notation c.460_462delAAC).
Protein change: p.Asn154del; deletes asparagine 154.
Molecular consequence: inframe deletion.
Genome position (GRCh38, 1-based): chr16:30,187,047-30,187,049, AAC deleted; deleting any 3 consecutive bases within chr16:30,187,045-30,187,049 gives the same sequence; the c. name uses the placement nearest the transcript's 3' end. VCF-style (leftmost placement, unchanged base first): chr16-30187044-GACA-G. GRCh37 (hg19) VCF-style: chr16-30198365-GACA-G.
Other names: c.460_462del, p.Asn154del (NM_001193333.3); short protein forms N154del.
Identifiers: ClinVar variation 850657 (VCV000850657.8), dbSNP rs1419951155, ClinGen allele CA622166939.

ClinVar aggregate classification (germline): Uncertain significance (1 of 4 stars; one submission).

Conditions:
Severe combined immunodeficiency due to CORO1A deficiency. Also called: Immunodeficiency 8; IMMUNODEFICIENCY 8 WITH LYMPHOPROLIFERATION. Identifiers: Orphanet 228003, MedGen C3809383, MONDO:0014168, OMIM 615401.

Submission:

Labcorp Genetics (formerly Invitae), Labcorp
Classification: Uncertain significance for Severe combined immunodeficiency due to CORO1A deficiency. Last evaluated: 2019-02-18. Review status: criteria provided, single submitter. Criteria: Invitae Variant Classification Sherloc (09022015). Collection method: clinical testing. Allele origin: germline.
Comment: This variant, c.460_462del, results in the deletion of 1 amino acid(s) of the CORO1A protein (p.Asn154del), but otherwise preserves the integrity of the reading frame. In summary, the available evidence is currently insufficient to determine the role of this variant in disease. Therefore, it has been classified as a Variant of Uncertain Significance. Experimental studies and prediction algorithms are not available for this variant, and the functional significance of the affected amino acid(s) is currently unknown. This variant has not been reported in the literature in individuals with CORO1A-related conditions. This variant is not present in population databases (ExAC no frequency).